The following is an entry in ClinVar:

ClinVar aggregate classification (germline): Uncertain significance (1 of 4 stars; one submission).

Allele frequency attached by ClinVar (database versions not stated): gnomAD 0.00001; TOPMed 0.00002.
gnomAD v4.1: 4 of 1,604,664 alleles (0.00025%); highest among the groups gnomAD compares: Non-Finnish European, 0.00034%; no homozygotes.

Submission:

Labcorp Genetics (formerly Invitae), Labcorp
Classification: Uncertain significance. Last evaluated: 2022-05-27. Review status: criteria provided, single submitter. Criteria: Invitae Variant Classification Sherloc (09022015). Collection method: clinical testing. Allele origin: germline.
Comment: This variant has not been reported in the literature in individuals affected with AGBL5-related conditions. In summary, the available evidence is currently insufficient to determine the role of this variant in disease. Therefore, it has been classified as a Variant of Uncertain Significance. Algorithms developed to predict the effect of sequence changes on RNA splicing suggest that this variant may create or strengthen a splice site. This variant is not present in population databases (gnomAD no frequency). This sequence change falls in intron 7 of the AGBL5 gene. It does not directly change the encoded amino acid sequence of the AGBL5 protein.

NM_021831.6(AGBL5):c.1365+10C>G

Gene: AGBL5 (AGBL carboxypeptidase 5; plus strand). Cytogenetic location: 2p23.3.
Variant type: single nucleotide variant.
Coding change: c.1365+10C>G on transcript NM_021831.6 (MANE Select); 10 bases into the intron after coding-DNA position 1365, C replaced by G.
Molecular consequence: intron variant.
Genome position (GRCh38, 1-based): chr2:27,056,148, C>G. VCF-style: chr2-27056148-C-G. GRCh37 (hg19) VCF-style: chr2-27279016-C-G.
Other names: c.1365+10C>G (NM_001035507.3).
Identifiers: ClinVar variation 2188057 (VCV002188057.4), dbSNP rs751076244, ClinGen allele CA767353326.